The following is an entry in ClinVar:

NM_000207.3(INS):c.104T>A (p.Leu35Gln)

Genes: INS (insulin; minus strand), INS-IGF2 (INS-IGF2 readthrough; minus strand). Cytogenetic location: 11p15.5.
Variant type: single nucleotide variant.
Coding change: c.104T>A on transcript NM_000207.3 (MANE Select); coding-DNA position 104, T replaced by A.
Protein change: p.Leu35Gln; replaces leucine 35 with glutamine.
Molecular consequence: missense variant. On other transcripts: non-coding transcript variant (1).
Genome position (GRCh38, 1-based): chr11:2,160,868, A>T on the plus strand (T>A on the coding strand, the complement: INS is on the minus strand). VCF-style: chr11-2160868-A-T. GRCh37 (hg19) VCF-style: chr11-2182098-A-T.
Other names: c.104T>A, p.Leu35Gln (NM_001185097.2, NM_001185098.2, NM_001291897.2 and 1 more transcripts); short protein forms L35Q.
Identifiers: ClinVar variation 2664354 (VCV002664354.1), dbSNP rs121908273, ClinGen allele CA379121761.

ClinVar aggregate classification (germline): Likely risk allele (1 of 4 stars; one submission).

Conditions:
Diabetes mellitus, permanent neonatal 4. Also called: INS-Related Permanent Neonatal Diabetes Mellitus. Identifiers: MedGen C5394307, MONDO:0030089, OMIM 618858.

Submission:

Clinical Genomics, Uppaluri K&H Personalized Medicine Clinic
Classification: Likely risk allele for Diabetes mellitus, permanent neonatal 4. Review status: criteria provided, single submitter. Criteria: K &amp; H Uppaluri Personalized Medicine Clinic Variant Classification &amp; Assertion Criteria_Updated V.1. Collection method: research. Allele origin: unknown. Inheritance: Autosomal dominant inheritance.
Comment: Potent mutations in the INS gene can cause early onset diabetes mellitus which is insulin dependent. May have poor response to sulfonylureas, mutations in this gene can cause beta cell destruction. rs121908273 variant is Prevalent in patients with Permanent neonatal diabetes mellitus. However, the role of this particular variant is yet to be ascertained

Literature cited by the submitters: PubMed 18162506; PubMed 20938745.